The following is an entry in ClinVar:

ClinVar aggregate classification (germline): Uncertain significance (1 of 4 stars; one submission).

Conditions:
Myopathy, centronuclear, 2 (CNM2). Also called: MYOTUBULAR MYOPATHY, AUTOSOMAL RECESSIVE. Identifiers: Orphanet 169186, MedGen CN031787, MONDO:0009709, OMIM 255200.

Allele frequency attached by ClinVar (database versions not stated): gnomAD exomes below 0.00001; gnomAD 0.00001.
gnomAD v4.1: 6 of 1,613,996 alleles (0.00037%); highest among the groups gnomAD compares: Non-Finnish European, 0.00042%; no homozygotes.

Submission:

Labcorp Genetics (formerly Invitae), Labcorp
Classification: Uncertain significance for Myopathy, centronuclear, 2. Last evaluated: 2024-01-22. Review status: criteria provided, single submitter. Criteria: Invitae Variant Classification Sherloc (09022015). Collection method: clinical testing. Allele origin: germline.
Comment: This sequence change replaces arginine, which is basic and polar, with histidine, which is basic and polar, at codon 145 of the BIN1 protein (p.Arg145His). The frequency data for this variant in the population databases is considered unreliable, as metrics indicate poor data quality at this position in the gnomAD database. This variant has not been reported in the literature in individuals affected with BIN1-related conditions. ClinVar contains an entry for this variant (Variation ID: 938779). Advanced modeling of protein sequence and biophysical properties (such as structural, functional, and spatial information, amino acid conservation, physicochemical variation, residue mobility, and thermodynamic stability) performed at Invitae indicates that this missense variant is expected to disrupt BIN1 protein function with a positive predictive value of 80%. In summary, the available evidence is currently insufficient to determine the role of this variant in disease. Therefore, it has been classified as a Variant of Uncertain Significance.

NM_139343.3(BIN1):c.434G>A (p.Arg145His)

Gene: BIN1 (bridging integrator 1; minus strand). Cytogenetic location: 2q14.3.
Variant type: single nucleotide variant.
Coding change: c.434G>A on transcript NM_139343.3 (MANE Select); coding-DNA position 434, G replaced by A.
Protein change: p.Arg145His; replaces arginine 145 with histidine.
Molecular consequence: missense variant.
Genome position (GRCh38, 1-based): chr2:127,069,009, C>T on the plus strand (G>A on the coding strand, the complement: BIN1 is on the minus strand). VCF-style: chr2-127069009-C-T. GRCh37 (hg19) VCF-style: chr2-127826585-C-T.
Other names: c.434G>A, p.Arg145His (NM_001320632.2, NM_001320633.2, NM_001320640.2 and 10 more transcripts); c.362G>A, p.Arg121His (NM_001320634.1); c.353G>A, p.Arg118His (NM_001320642.1); short protein forms R118H, R121H, R145H.
Identifiers: ClinVar variation 938779 (VCV000938779.9), dbSNP rs1219115067, ClinGen allele CA348367972.